The following is an entry in ClinVar:

NM_000365.6(TPI1):c.248T>C (p.Met83Thr)

Gene: TPI1 (triosephosphate isomerase 1; plus strand). Cytogenetic location: 12p13.31.
Variant type: single nucleotide variant.
Coding change: c.248T>C on transcript NM_000365.6 (MANE Select); coding-DNA position 248, T replaced by C.
Protein change: p.Met83Thr; replaces methionine 83 with threonine.
Molecular consequence: missense variant. On other transcripts: initiator codon variant (1).
Genome position (GRCh38, 1-based): chr12:6,869,107, T>C. VCF-style: chr12-6869107-T-C. GRCh37 (hg19) VCF-style: chr12-6978271-T-C.
Other names: c.359T>C, p.Met120Thr (NM_001159287.1); c.2T>C, p.Met1Thr (NM_001258026.2); short protein forms M120T, M1T, M83T.
Identifiers: ClinVar variation 3052798 (VCV003052798.2), dbSNP rs1337396876, ClinGen allele CA383709757.
Genomic context (GRCh38, chr12:6,869,107, plus strand): 5'-AAAGCCACAGGGTGGGCTCCCTGCTGAACCTTGGCTTCATCTCTTCCTTTAGCCCTGGCA[T>C]GATCAAAGACTGCGGAGCCACGTGGGTGGTCCTGGGGCACTCAGAGAGAAGGCATGTCTT-3'
Protein context (NP_000356.1, residues 73-93): GAFTGEISPG[Met83Thr]IKDCGATWVV

ClinVar aggregate classification (germline): Uncertain significance (0 of 4 stars; one submission).

Conditions:
TPI1-related disorder. Also called: TPI1-related condition.

Allele frequency attached by ClinVar (database versions not stated): gnomAD exomes below 0.00001; TOPMed below 0.00001.
gnomAD v4.1: 2 of 1,614,182 alleles (0.00012%); highest among the groups gnomAD compares: East Asian, 0.0045%; no homozygotes.

Submission:

PreventionGenetics, part of Exact Sciences
Classification: Uncertain significance for TPI1-related condition. Last evaluated: 2024-02-17. Review status: no assertion criteria provided. Collection method: clinical testing. Allele origin: germline.
Comment: The TPI1 c.2T>C variant is predicted to disrupt the translation initiation site (Start loss). This variant causes a start-loss change in an alternate transcript that may not get expressed according to GTEx data. In the primary transcript, this variant is expected to result in a missense alteration, NM_000365.5:c.248T>C (p.Met83Thr). To our knowledge, this variant has not been reported in the literature or in a large population database, indicating this variant is rare. At this time, the clinical significance of this variant is uncertain due to the absence of conclusive functional and genetic evidence.